The following is an entry in ClinVar:

NM_001270508.2(TNFAIP3):c.986+6C>T

Gene: TNFAIP3 (TNF alpha induced protein 3; plus strand). Cytogenetic location: 6q23.3.
Variant type: single nucleotide variant.
Coding change: c.986+6C>T on transcript NM_001270508.2 (MANE Select); 6 bases into the intron after coding-DNA position 986, C replaced by T.
Molecular consequence: intron variant.
Genome position (GRCh38, 1-based): chr6:137,877,262, C>T. VCF-style: chr6-137877262-C-T. GRCh37 (hg19) VCF-style: chr6-138198399-C-T.
Other names: c.986+6C>T (NM_001270507.2, NM_006290.4).
Identifiers: ClinVar variation 1366807 (VCV001366807.6), dbSNP rs996041755, ClinGen allele CA148261899.

ClinVar aggregate classification (germline): Uncertain significance (1 of 4 stars; one submission).

Allele frequency attached by ClinVar (database versions not stated): TOPMed 0.00001.

Submission:

Labcorp Genetics (formerly Invitae), Labcorp
Classification: Uncertain significance. Last evaluated: 2023-08-10. Review status: criteria provided, single submitter. Criteria: Invitae Variant Classification Sherloc (09022015). Collection method: clinical testing. Allele origin: germline.
Comment: In summary, the available evidence is currently insufficient to determine the role of this variant in disease. Therefore, it has been classified as a Variant of Uncertain Significance. Variants that disrupt the consensus splice site are a relatively common cause of aberrant splicing (PMID: 17576681, 9536098). Algorithms developed to predict the effect of sequence changes on RNA splicing suggest that this variant is not likely to affect RNA splicing. ClinVar contains an entry for this variant (Variation ID: 1366807). This variant has not been reported in the literature in individuals affected with TNFAIP3-related conditions. This variant is not present in population databases (gnomAD no frequency). This sequence change falls in intron 6 of the TNFAIP3 gene. It does not directly change the encoded amino acid sequence of the TNFAIP3 protein. It affects a nucleotide within the consensus splice site.

Literature cited by the submitters: PubMed 17576681; PubMed 9536098.